The following is an entry in ClinVar:

ClinVar aggregate classification (germline): Uncertain significance. Review status: criteria provided, multiple submitters, no conflicts (2 of 4 stars). 2 submissions from 2 submitters: Uncertain significance (2). Last evaluated 2025-05-18.

Conditions:
Hereditary cancer-predisposing syndrome. Also called: Hereditary Cancer Syndrome; Hereditary neoplastic syndrome; Neoplastic Syndromes, Hereditary; Tumor predisposition. Identifiers: Orphanet 140162, MedGen C0027672, MeSH D009386, MONDO:0015356.

Submissions (2):

Ambry Genetics
Classification: Uncertain significance for Hereditary cancer-predisposing syndrome. Last evaluated: 2025-05-18. Review status: criteria provided, single submitter. Criteria: Ambry Variant Classification Scheme 2023. Collection method: clinical testing. Allele origin: germline.
Comment: The p.L530F variant (also known as c.1588C>T), located in coding exon 11 of the CTNNA1 gene, results from a C to T substitution at nucleotide position 1588. The leucine at codon 530 is replaced by phenylalanine, an amino acid with highly similar properties. This amino acid position is conserved. In addition, the in silico prediction for this alteration is inconclusive. Based on the available evidence, the clinical significance of this variant remains unclear.

Labcorp Genetics (formerly Invitae), Labcorp
Classification: Uncertain significance. Last evaluated: 2024-12-13. Review status: criteria provided, single submitter. Criteria: Invitae Variant Classification Sherloc (09022015). Collection method: clinical testing. Allele origin: germline.
Comment: This sequence change replaces leucine, which is neutral and non-polar, with phenylalanine, which is neutral and non-polar, at codon 530 of the CTNNA1 protein (p.Leu530Phe). This variant is not present in population databases (gnomAD no frequency). This variant has not been reported in the literature in individuals affected with CTNNA1-related conditions. Invitae Evidence Modeling of protein sequence and biophysical properties (such as structural, functional, and spatial information, amino acid conservation, physicochemical variation, residue mobility, and thermodynamic stability) indicates that this missense variant is expected to disrupt CTNNA1 protein function with a positive predictive value of 80%. In summary, the available evidence is currently insufficient to determine the role of this variant in disease. Therefore, it has been classified as a Variant of Uncertain Significance.

NM_001903.5(CTNNA1):c.1588C>T (p.Leu530Phe)

Gene: CTNNA1 (catenin alpha 1; plus strand). Cytogenetic location: 5q31.2.
Variant type: single nucleotide variant.
Coding change: c.1588C>T on transcript NM_001903.5 (MANE Select); coding-DNA position 1588, C replaced by T.
Protein change: p.Leu530Phe; replaces leucine 530 with phenylalanine.
Molecular consequence: missense variant.
Genome position (GRCh38, 1-based): chr5:138,924,551, C>T. VCF-style: chr5-138924551-C-T. GRCh37 (hg19) VCF-style: chr5-138260240-C-T.
Other names: c.139C>T, p.Leu47Phe (NM_001324007.1, NM_001324008.1, NM_001324009.1 and 2 more transcripts); c.1588C>T, p.Leu530Phe (NM_001290307.3, NM_001323982.2, NM_001323983.1 and 2 more transcripts); c.385C>T, p.Leu129Phe (NM_001324011.1); c.1279C>T, p.Leu427Phe (NM_001290309.3); c.235C>T, p.Leu79Phe (NM_001324012.1, NM_001324013.1); c.1219C>T, p.Leu407Phe (NM_001290310.3); c.478C>T, p.Leu160Phe (NM_001290312.1, NM_001323987.1, NM_001323988.1 and 17 more transcripts); c.1495C>T, p.Leu499Phe (NM_001323986.2); and 1 more; short protein forms L427F, L160F, L407F, L47F, L530F, L79F, L129F, L499F.
Identifiers: ClinVar variation 3666746 (VCV003666746.3).